The following is an entry in ClinVar:

NM_001999.4(FBN2):c.533-4G>T

Gene: FBN2 (fibrillin 2; minus strand). Cytogenetic location: 5q23.3.
Variant type: single nucleotide variant.
Coding change: c.533-4G>T on transcript NM_001999.4 (MANE Select); 4 bases into the intron before coding-DNA position 533, G replaced by T.
Molecular consequence: intron variant.
Genome position (GRCh38, 1-based): chr5:128,519,372, C>A on the plus strand (G>T on the coding strand, the complement: FBN2 is on the minus strand). VCF-style: chr5-128519372-C-A. GRCh37 (hg19) VCF-style: chr5-127855065-C-A.
Identifiers: ClinVar variation 391267 (VCV000391267.51), dbSNP rs372596001, ClinGen allele CA3396079.

ClinVar aggregate classification (germline): Likely benign. Review status: criteria provided, multiple submitters, no conflicts (2 of 4 stars). 4 submissions from 4 submitters: Likely benign (4). Last evaluated 2025-11-16.

Conditions:
Congenital contractural arachnodactyly (CCA). Also called: Arthrogryposis, distal, type 9; BEALS SYNDROME; Beals-Hecht syndrome. Identifiers: Orphanet 115, MedGen C0220668, MONDO:0007363, OMIM 121050.

Allele frequency attached by ClinVar (database versions not stated): gnomAD 0.00001; TOPMed 0.00001; gnomAD exomes 0.00002; ExAC 0.00006; ESP Exome Variant Server 0.00008.
gnomAD v4.1: 24 of 1,612,626 alleles (0.0015%); highest among the groups gnomAD compares: Non-Finnish European, 0.00093%; no homozygotes.

Submissions (4):

Labcorp Genetics (formerly Invitae), Labcorp
Classification: Likely benign for Congenital contractural arachnodactyly. Last evaluated: 2025-11-16. Review status: criteria provided, single submitter. Criteria: Invitae Variant Classification Sherloc (09022015). Collection method: clinical testing. Allele origin: germline.

Blueprint Genetics
Classification: Likely benign. Last evaluated: 2024-09-12. Review status: criteria provided, single submitter. Criteria: ACMG Guidelines, 2015. Collection method: clinical testing. Allele origin: germline.

CeGaT Center for Human Genetics Tuebingen
Classification: Likely benign. Last evaluated: 2018-07-01. Review status: criteria provided, single submitter. Criteria: CeGaT Center For Human Genetics Tuebingen Variant Classification Criteria Version 2. Collection method: clinical testing. Allele origin: germline. Affected: yes. Observed: 1 variant allele.

GeneDx
Classification: Likely benign. Last evaluated: 2016-12-02. Review status: criteria provided, single submitter. Criteria: GeneDx Variant Classification (06012015). Collection method: clinical testing. Allele origin: germline. Affected: yes.
Comment: This variant is considered likely benign or benign based on one or more of the following criteria: it is a conservative change, it occurs at a poorly conserved position in the protein, it is predicted to be benign by multiple in silico algorithms, and/or has population frequency not consistent with disease.